The following is an entry in ClinVar:

ClinVar aggregate classification (germline): Uncertain significance. Review status: criteria provided, multiple submitters, no conflicts (2 of 4 stars). 3 submissions from 3 submitters: Uncertain significance (2). 1 of the submissions does not count toward it. Last evaluated 2021-08-27.

Conditions:
Smith-Lemli-Opitz syndrome (SLOS). Also called: POLYDACTYLY, SEX REVERSAL, RENAL HYPOPLASIA, AND UNILOBAR LUNG; RSH SYNDROME; RUTLEDGE LETHAL MULTIPLE CONGENITAL ANOMALY SYNDROME; LETHAL ACRODYSGENITAL SYNDROME; 7-Dehydrocholesterol reductase deficiency. Identifiers: Orphanet 818, MedGen C0175694, MONDO:0010035, OMIM 270400.

Allele frequency attached by ClinVar (database versions not stated): gnomAD exomes below 0.00001.
gnomAD v4.1: 2 of 1,613,980 alleles (0.00012%); highest among the groups gnomAD compares: Admixed American, 0.0033%; no homozygotes.

Submissions (3):

Labcorp Genetics (formerly Invitae), Labcorp
Classification: Uncertain significance for Smith-Lemli-Opitz syndrome. Last evaluated: 2021-08-27. Review status: criteria provided, single submitter. Criteria: Invitae Variant Classification Sherloc (09022015). Collection method: clinical testing. Allele origin: germline.
Comment: This sequence change replaces tryptophan with cysteine at codon 313 of the DHCR7 protein (p.Trp313Cys). The tryptophan residue is highly conserved and there is a large physicochemical difference between tryptophan and cysteine. This variant is not present in population databases (ExAC no frequency). This variant has not been reported in the literature in individuals affected with DHCR7-related conditions. Algorithms developed to predict the effect of missense changes on protein structure and function (SIFT, PolyPhen-2, Align-GVGD) all suggest that this variant is likely to be disruptive. In summary, the available evidence is currently insufficient to determine the role of this variant in disease. Therefore, it has been classified as a Variant of Uncertain Significance.

Illumina Laboratory Services, Illumina
Classification: Uncertain significance for Smith-Lemli-Opitz syndrome. Last evaluated: 2018-01-13. Review status: criteria provided, single submitter. Criteria: ICSL Variant Classification Criteria 13 December 2019. Collection method: clinical testing. Allele origin: germline.

Natera, Inc.
Classification: Uncertain significance for Smith-Lemli-Opitz syndrome. Last evaluated: 2021-04-21. Review status: no assertion criteria provided. Collection method: clinical testing. Allele origin: germline. Not counted in ClinVar's aggregate classification.

NM_001360.3(DHCR7):c.939G>C (p.Trp313Cys)

Gene: DHCR7 (7-dehydrocholesterol reductase; minus strand). Cytogenetic location: 11q13.4.
Variant type: single nucleotide variant.
Coding change: c.939G>C on transcript NM_001360.3 (MANE Select); coding-DNA position 939, G replaced by C.
Protein change: p.Trp313Cys; replaces tryptophan 313 with cysteine.
Molecular consequence: missense variant.
Genome position (GRCh38, 1-based): chr11:71,437,836, C>G on the plus strand (G>C on the coding strand, the complement: DHCR7 is on the minus strand). VCF-style: chr11-71437836-C-G. GRCh37 (hg19) VCF-style: chr11-71148882-C-G.
Other names: c.939G>C, p.Trp313Cys (NM_001163817.2); short protein forms W313C.
Identifiers: ClinVar variation 839516 (VCV000839516.13), dbSNP rs1555145862, ClinGen allele CA381702925.